The following is an entry in ClinVar:

ClinVar aggregate classification (germline): Uncertain significance. Review status: criteria provided, multiple submitters, no conflicts (2 of 4 stars). 2 submissions from 2 submitters: Uncertain significance (2). Last evaluated 2023-11-14.

Conditions:
Hereditary cancer-predisposing syndrome. Also called: Neoplastic Syndromes, Hereditary; Hereditary Cancer Syndrome; Tumor predisposition; Hereditary neoplastic syndrome. Identifiers: Orphanet 140162, MedGen C0027672, MeSH D009386, MONDO:0015356.
Neuroblastoma, susceptibility to, 3. Also called: ALK-Related Neuroblastic Tumor Susceptibility. Identifiers: Orphanet 635, MedGen C2751681, MONDO:0013083, OMIM 613014.

Allele frequency attached by ClinVar (database versions not stated): gnomAD exomes below 0.00001.
gnomAD v4.1: 1 of 1,614,086 alleles (0.000062%); highest among the groups gnomAD compares: Non-Finnish European, 0.000085%; no homozygotes.

Submissions (2):

Labcorp Genetics (formerly Invitae), Labcorp
Classification: Uncertain significance for Neuroblastoma, susceptibility to, 3. Last evaluated: 2023-11-14. Review status: criteria provided, single submitter. Criteria: Invitae Variant Classification Sherloc (09022015). Collection method: clinical testing. Allele origin: germline.
Comment: This sequence change replaces aspartic acid, which is acidic and polar, with glutamic acid, which is acidic and polar, at codon 302 of the ALK protein (p.Asp302Glu). This variant is not present in population databases (gnomAD no frequency). This variant has not been reported in the literature in individuals affected with ALK-related conditions. ClinVar contains an entry for this variant (Variation ID: 2566555). An algorithm developed to predict the effect of missense changes on protein structure and function (PolyPhen-2) suggests that this variant is likely to be tolerated. In summary, the available evidence is currently insufficient to determine the role of this variant in disease. Therefore, it has been classified as a Variant of Uncertain Significance.

Ambry Genetics
Classification: Uncertain significance for Hereditary cancer-predisposing syndrome. Last evaluated: 2023-03-18. Review status: criteria provided, single submitter. Criteria: Ambry Variant Classification Scheme 2023. Collection method: clinical testing. Allele origin: germline.
Comment: The p.D302E variant (also known as c.906C>A), located in coding exon 3 of the ALK gene, results from a C to A substitution at nucleotide position 906. The aspartic acid at codon 302 is replaced by glutamic acid, an amino acid with highly similar properties. This amino acid position is conserved. In addition, this alteration is predicted to be tolerated by in silico analysis. Since supporting evidence is limited at this time, the clinical significance of this alteration remains unclear.

NM_004304.5(ALK):c.906C>A (p.Asp302Glu)

Gene: ALK (ALK receptor tyrosine kinase; minus strand). Cytogenetic location: 2p23.2.
Variant type: single nucleotide variant.
Coding change: c.906C>A on transcript NM_004304.5 (MANE Select); coding-DNA position 906, C replaced by A.
Protein change: p.Asp302Glu; replaces aspartic acid 302 with glutamic acid.
Molecular consequence: missense variant.
Genome position (GRCh38, 1-based): chr2:29,694,896, G>T on the plus strand (C>A on the coding strand, the complement: ALK is on the minus strand). VCF-style: chr2-29694896-G-T. GRCh37 (hg19) VCF-style: chr2-29917762-G-T.
Other names: short protein forms D302E.
Identifiers: ClinVar variation 2566555 (VCV002566555.5), dbSNP rs2148289706, ClinGen allele CA346586897.